The following is an entry in ClinVar:

ClinVar aggregate classification (germline): Uncertain significance (1 of 4 stars; one submission).

Allele frequency attached by ClinVar (database versions not stated): gnomAD exomes below 0.00001; gnomAD 0.00001.
gnomAD v4.1: 4 of 1,614,218 alleles (0.00025%); highest among the groups gnomAD compares: African/African-American, 0.0027%; no homozygotes.

Submission:

Labcorp Genetics (formerly Invitae), Labcorp
Classification: Uncertain significance. Last evaluated: 2023-08-16. Review status: criteria provided, single submitter. Criteria: Invitae Variant Classification Sherloc (09022015). Collection method: clinical testing. Allele origin: germline.
Comment: In summary, the available evidence is currently insufficient to determine the role of this variant in disease. Therefore, it has been classified as a Variant of Uncertain Significance. An algorithm developed to predict the effect of missense changes on protein structure and function (PolyPhen-2) suggests that this variant is likely to be tolerated. This variant has not been reported in the literature in individuals affected with TNFRSF11A-related conditions. This variant is not present in population databases (gnomAD no frequency). This sequence change replaces leucine, which is neutral and non-polar, with arginine, which is basic and polar, at codon 327 of the TNFRSF11A protein (p.Leu327Arg).

NM_003839.4(TNFRSF11A):c.980T>G (p.Leu327Arg)

Gene: TNFRSF11A (TNF receptor superfamily member 11a; plus strand). Cytogenetic location: 18q21.33.
Variant type: single nucleotide variant.
Coding change: c.980T>G on transcript NM_003839.4 (MANE Select); coding-DNA position 980, T replaced by G.
Protein change: p.Leu327Arg; replaces leucine 327 with arginine.
Molecular consequence: missense variant. On other transcripts: intron variant (3).
Genome position (GRCh38, 1-based): chr18:62,368,897, T>G. VCF-style: chr18-62368897-T-G. GRCh37 (hg19) VCF-style: chr18-60036130-T-G.
Other names: c.938T>G, p.Leu313Arg (NM_001278268.2); c.783+2137T>G (NM_001270949.2); c.730+7104T>G (NM_001270950.2); c.616+8848T>G (NM_001270951.2); short protein forms L313R, L327R.
Identifiers: ClinVar variation 2784765 (VCV002784765.3), dbSNP rs540191294, ClinGen allele CA301704110.